The following is an entry in ClinVar:

NM_001458.5(FLNC):c.7238T>C (p.Val2413Ala)

Genes: FLNC-AS1 (FLNC antisense RNA 1; minus strand), FLNC (filamin C; plus strand). Cytogenetic location: 7q32.1.
Variant type: single nucleotide variant.
Coding change: c.7238T>C on transcript NM_001458.5 (MANE Select); coding-DNA position 7238, T replaced by C.
Protein change: p.Val2413Ala; replaces valine 2413 with alanine.
Molecular consequence: missense variant.
Genome position (GRCh38, 1-based): chr7:128,855,301, T>C. VCF-style: chr7-128855301-T-C. GRCh37 (hg19) VCF-style: chr7-128495355-T-C.
Other names: c.7139T>C, p.Val2380Ala (NM_001127487.2); short protein forms V2380A, V2413A.
Identifiers: ClinVar variation 1721578 (VCV001721578.6), dbSNP rs2536667440, ClinGen allele CA369216051.

ClinVar aggregate classification (germline): Uncertain significance (1 of 4 stars; one submission).

Conditions:
Myofibrillar myopathy 5. Also called: Filaminopathy (type); FILAMINOPATHY, AUTOSOMAL DOMINANT. Identifiers: Orphanet 171445, MedGen C1836050, MONDO:0012289, OMIM 609524.
Distal myopathy with posterior leg and anterior hand involvement. Also called: WILLIAMS DISTAL MYOPATHY. Identifiers: Orphanet 63273, MedGen C3279722, MONDO:0013550, OMIM 614065.
Hypertrophic cardiomyopathy 26. Also called: Cardiomyopathy, familial hypertrophic, 26. Identifiers: Orphanet 75249, MedGen C4310749, MONDO:0014883, OMIM 617047.

Submission:

Labcorp Genetics (formerly Invitae), Labcorp
Classification: Uncertain significance for Distal myopathy with posterior leg and anterior hand involvement; Myofibrillar myopathy 5; Hypertrophic cardiomyopathy 26. Last evaluated: 2022-10-13. Review status: criteria provided, single submitter. Criteria: Invitae Variant Classification Sherloc (09022015). Collection method: clinical testing. Allele origin: germline.
Comment: This variant is not present in population databases (gnomAD no frequency). This sequence change replaces valine, which is neutral and non-polar, with alanine, which is neutral and non-polar, at codon 2413 of the FLNC protein (p.Val2413Ala). This variant has not been reported in the literature in individuals affected with FLNC-related conditions. In summary, the available evidence is currently insufficient to determine the role of this variant in disease. Therefore, it has been classified as a Variant of Uncertain Significance. Advanced modeling of protein sequence and biophysical properties (such as structural, functional, and spatial information, amino acid conservation, physicochemical variation, residue mobility, and thermodynamic stability) performed at Invitae indicates that this missense variant is not expected to disrupt FLNC protein function.